The following is an entry in ClinVar:

ClinVar aggregate classification (germline): Uncertain significance. Review status: criteria provided, multiple submitters, no conflicts (2 of 4 stars). 2 submissions from 2 submitters: Uncertain significance (2). Last evaluated 2024-08-27.

Conditions:
Immunodeficiency 60. Also called: IMMUNODEFICIENCY AND AUTOIMMUNITY, BACH2-RELATED; IMMUNODEFICIENCY 60 AND AUTOIMMUNITY. Identifiers: MedGen C5193072, MONDO:0032723, OMIM 618394.

Allele frequency attached by ClinVar (database versions not stated): gnomAD exomes below 0.00001; TOPMed below 0.00001; ExAC 0.00001; gnomAD 0.00001.
gnomAD v4.1: 4 of 1,574,310 alleles (0.00025%); highest among the groups gnomAD compares: Non-Finnish European, 0.00026%; no homozygotes.

Submissions (2):

Labcorp Genetics (formerly Invitae), Labcorp
Classification: Uncertain significance. Last evaluated: 2024-08-27. Review status: criteria provided, single submitter. Criteria: Invitae Variant Classification Sherloc (09022015). Collection method: clinical testing. Allele origin: germline.
Comment: This sequence change replaces glutamine, which is neutral and polar, with histidine, which is basic and polar, at codon 378 of the BACH2 protein (p.Gln378His). This variant is present in population databases (rs774461778, gnomAD 0.001%). This variant has not been reported in the literature in individuals affected with BACH2-related conditions. ClinVar contains an entry for this variant (Variation ID: 2431608). Invitae Evidence Modeling of protein sequence and biophysical properties (such as structural, functional, and spatial information, amino acid conservation, physicochemical variation, residue mobility, and thermodynamic stability) indicates that this missense variant is not expected to disrupt BACH2 protein function with a negative predictive value of 80%. In summary, the available evidence is currently insufficient to determine the role of this variant in disease. Therefore, it has been classified as a Variant of Uncertain Significance.

Laboratorio de Genetica e Diagnostico Molecular, Hospital Israelita Albert Einstein
Classification: Uncertain significance for Immunodeficiency 60. Last evaluated: 2022-12-01. Review status: criteria provided, single submitter. Criteria: ACMG Guidelines, 2015. Collection method: clinical testing. Allele origin: germline. Affected: yes. Observed: 1 variant allele.
Comment: ACMG classification criteria: PM2 supporting, BP4 supporting

NM_021813.4(BACH2):c.1134G>C (p.Gln378His)

Gene: BACH2 (BACH transcriptional regulator 2; minus strand). Cytogenetic location: 6q15.
Variant type: single nucleotide variant.
Coding change: c.1134G>C on transcript NM_021813.4 (MANE Select); coding-DNA position 1134, G replaced by C.
Protein change: p.Gln378His; replaces glutamine 378 with histidine.
Molecular consequence: missense variant.
Genome position (GRCh38, 1-based): chr6:89,950,972, C>G on the plus strand (G>C on the coding strand, the complement: BACH2 is on the minus strand). VCF-style: chr6-89950972-C-G. GRCh37 (hg19) VCF-style: chr6-90660691-C-G.
Other names: c.1134G>C, p.Gln378His (NM_001170794.2); short protein forms Q378H.
Identifiers: ClinVar variation 2431608 (VCV002431608.3), dbSNP rs774461778, ClinGen allele CA3928048.
Genomic context (GRCh38, chr6:89,950,972, plus strand): 5'-GCCCACGTGGGGCTGTCCATAATTCCCTGTGAAAGGGGTGTAGTCAGTTTTAAGGTCACC[C>G]TGAGTGATCCCCTTGTCAAAAGGGCAGGCTGGACTCCTGGCAAAGTGCTGCTGAGATGTA-3'
Protein context (NP_068585.1, residues 368-388): PACPFDKGIT[Gln378His]GDLKTDYTPF